The following is an entry in ClinVar:

NM_000059.4(BRCA2):c.3837T>G (p.Asn1279Lys)

Gene: BRCA2 (BRCA2 DNA repair associated; plus strand). Cytogenetic location: 13q13.1.
Variant type: single nucleotide variant.
Coding change: c.3837T>G on transcript NM_000059.4 (MANE Select); coding-DNA position 3837, T replaced by G.
Protein change: p.Asn1279Lys; replaces asparagine 1279 with lysine.
Molecular consequence: missense variant.
Genome position (GRCh38, 1-based): chr13:32,338,192, T>G. VCF-style: chr13-32338192-T-G. GRCh37 (hg19) VCF-style: chr13-32912329-T-G.
Other names: c.3837T>G, p.Asn1279Lys (NM_001406719.1, NM_001406720.1); short protein forms N1279K.
Identifiers: ClinVar variation 2130150 (VCV002130150.7), dbSNP rs1555283421, ClinGen allele CA387778561.

ClinVar aggregate classification (germline): Conflicting classifications of pathogenicity. Review status: criteria provided, conflicting classifications (1 of 4 stars). 3 submissions from 3 submitters: Uncertain significance (2); Likely benign (1). Last evaluated 2025-08-08.

Conditions:
Hereditary cancer-predisposing syndrome. Also called: Hereditary neoplastic syndrome; Tumor predisposition; Hereditary Cancer Syndrome; Neoplastic Syndromes, Hereditary. Identifiers: Orphanet 140162, MedGen C0027672, MeSH D009386, MONDO:0015356.
Hereditary breast ovarian cancer syndrome. Also called: Hereditary breast and ovarian cancer syndrome; BRCA1- and BRCA2-Associated Hereditary Breast and Ovarian Cancer; Hereditary breast and ovarian cancer syndrome (HBOC); Hereditary breast and/or ovarian cancer syndrome; Hereditary breast and ovarian cancer; Breast and ovarian cancer. Identifiers: Orphanet 145, MedGen C0677776, MeSH D061325, MONDO:0003582. Disease mechanism: loss of function.

Submissions (3):

Ambry Genetics
Classification: Uncertain significance for Hereditary cancer-predisposing syndrome. Last evaluated: 2025-08-08. Review status: criteria provided, single submitter. Criteria: Ambry Variant Classification Scheme 2023. Collection method: clinical testing. Allele origin: germline.
Comment: The p.N1279K variant (also known as c.3837T>G), located in coding exon 10 of the BRCA2 gene, results from a T to G substitution at nucleotide position 3837. The asparagine at codon 1279 is replaced by lysine, an amino acid with similar properties. This amino acid position is conserved. In addition, this alteration is predicted to be tolerated by in silico analysis. Based on the available evidence, the clinical significance of this variant remains unclear.

University of Washington Department of Laboratory Medicine, University of Washington
Classification: Likely benign for Hereditary cancer-predisposing syndrome. Last evaluated: 2023-03-23. Review status: criteria provided, single submitter. Criteria: Dines et al. (Genet Med. 2020). Collection method: curation. Allele origin: germline.
Comment: Missense variant in a coldspot region where missense variants are very unlikely to be pathogenic (PMID:31911673).

BRCA2 exon 11 coldspot. Reclassification based on statistical prior probability.

Labcorp Genetics (formerly Invitae), Labcorp
Classification: Uncertain significance for Hereditary breast ovarian cancer syndrome. Last evaluated: 2022-04-24. Review status: criteria provided, single submitter. Criteria: Invitae Variant Classification Sherloc (09022015). Collection method: clinical testing. Allele origin: germline.
Comment: This sequence change replaces asparagine, which is neutral and polar, with lysine, which is basic and polar, at codon 1279 of the BRCA2 protein (p.Asn1279Lys). This variant is not present in population databases (gnomAD no frequency). This variant has not been reported in the literature in individuals affected with BRCA2-related conditions. Advanced modeling of protein sequence and biophysical properties (such as structural, functional, and spatial information, amino acid conservation, physicochemical variation, residue mobility, and thermodynamic stability) performed at Invitae indicates that this missense variant is not expected to disrupt BRCA2 protein function. In summary, the available evidence is currently insufficient to determine the role of this variant in disease. Therefore, it has been classified as a Variant of Uncertain Significance.